The following is an entry in ClinVar:

ClinVar aggregate classification (germline): Uncertain significance. Review status: criteria provided, multiple submitters, no conflicts (2 of 4 stars). 2 submissions from 2 submitters: Uncertain significance (2). Last evaluated 2024-12-10.

Conditions:
Inborn genetic diseases. Identifiers: MedGen C0950123, MeSH D030342.

Allele frequency attached by ClinVar (database versions not stated): ExAC 0.00001; gnomAD 0.00003; TOPMed 0.00003; 1000 Genomes Project 30x 0.00016; 1000 Genomes Project 0.00020.
gnomAD v4.1: 25 of 1,612,516 alleles (0.0016%); highest among the groups gnomAD compares: African/African-American, 0.0027%; no homozygotes.

Submissions (2):

Ambry Genetics
Classification: Uncertain significance for Inborn genetic diseases. Last evaluated: 2024-12-10. Review status: criteria provided, single submitter. Criteria: Ambry Variant Classification Scheme 2023. Collection method: clinical testing. Allele origin: germline.

Labcorp Genetics (formerly Invitae), Labcorp
Classification: Uncertain significance. Last evaluated: 2022-03-24. Review status: criteria provided, single submitter. Criteria: Invitae Variant Classification Sherloc (09022015). Collection method: clinical testing. Allele origin: germline.
Comment: This sequence change replaces valine, which is neutral and non-polar, with isoleucine, which is neutral and non-polar, at codon 711 of the ADAMTS10 protein (p.Val711Ile). This variant is present in population databases (rs564996469, gnomAD 0.007%). This variant has not been reported in the literature in individuals affected with ADAMTS10-related conditions. Algorithms developed to predict the effect of missense changes on protein structure and function (SIFT, PolyPhen-2, Align-GVGD) all suggest that this variant is likely to be tolerated. In summary, the available evidence is currently insufficient to determine the role of this variant in disease. Therefore, it has been classified as a Variant of Uncertain Significance.

NM_030957.4(ADAMTS10):c.2131G>A (p.Val711Ile)

Gene: ADAMTS10 (ADAM metallopeptidase with thrombospondin type 1 motif 10; minus strand). Cytogenetic location: 19p13.2.
Variant type: single nucleotide variant.
Coding change: c.2131G>A on transcript NM_030957.4 (MANE Select); coding-DNA position 2131, G replaced by A.
Protein change: p.Val711Ile; replaces valine 711 with isoleucine.
Molecular consequence: missense variant.
Genome position (GRCh38, 1-based): chr19:8,589,269, C>T on the plus strand (G>A on the coding strand, the complement: ADAMTS10 is on the minus strand). VCF-style: chr19-8589269-C-T. GRCh37 (hg19) VCF-style: chr19-8654153-C-T.
Other names: c.592G>A, p.Val198Ile (NM_001282352.2); c.2131G>A (NM_030957.2); short protein forms V198I, V711I.
Identifiers: ClinVar variation 1920238 (VCV001920238.3), dbSNP rs564996469, ClinGen allele CA9160213.